The following is an entry in ClinVar:

NM_002187.3(IL12B):c.367C>G (p.Pro123Ala)

Gene: IL12B (interleukin 12B; minus strand). Cytogenetic location: 5q33.3.
Variant type: single nucleotide variant.
Coding change: c.367C>G on transcript NM_002187.3 (MANE Select); coding-DNA position 367, C replaced by G.
Protein change: p.Pro123Ala; replaces proline 123 with alanine.
Molecular consequence: missense variant.
Genome position (GRCh38, 1-based): chr5:159,322,509, G>C on the plus strand (C>G on the coding strand, the complement: IL12B is on the minus strand). VCF-style: chr5-159322509-G-C. GRCh37 (hg19) VCF-style: chr5-158749517-G-C.
Other names: short protein forms P123A.
Identifiers: ClinVar variation 1386553 (VCV001386553.5), dbSNP rs780376200, ClinGen allele CA3538815.

ClinVar aggregate classification (germline): Uncertain significance (1 of 4 stars; one submission).

Conditions:
Mendelian susceptibility to mycobacterial diseases due to complete IL12B deficiency. Also called: IL12B DEFICIENCY; Immunodeficiency 29. Identifiers: Orphanet 319558, MedGen C4013948, MONDO:0013954, OMIM 614890.

Allele frequency attached by ClinVar (database versions not stated): ExAC 0.00001.
gnomAD v4.1: 2 of 1,606,504 alleles (0.00012%); highest among the groups gnomAD compares: Non-Finnish European, 0.00017%; no homozygotes.

Submission:

Labcorp Genetics (formerly Invitae), Labcorp
Classification: Uncertain significance for Mendelian susceptibility to mycobacterial diseases due to complete IL12B deficiency. Last evaluated: 2022-03-03. Review status: criteria provided, single submitter. Criteria: Invitae Variant Classification Sherloc (09022015). Collection method: clinical testing. Allele origin: germline.
Comment: This sequence change replaces proline, which is neutral and non-polar, with alanine, which is neutral and non-polar, at codon 123 of the IL12B protein (p.Pro123Ala). This variant is not present in population databases (gnomAD no frequency). This variant has not been reported in the literature in individuals affected with IL12B-related conditions. Algorithms developed to predict the effect of missense changes on protein structure and function (SIFT, PolyPhen-2, Align-GVGD) all suggest that this variant is likely to be tolerated. In summary, the available evidence is currently insufficient to determine the role of this variant in disease. Therefore, it has been classified as a Variant of Uncertain Significance.